The following is an entry in ClinVar:

ClinVar aggregate classification (germline): Likely pathogenic (1 of 4 stars; one submission).

Conditions:
Dilated cardiomyopathy 1G (CMD1G). Identifiers: Orphanet 154, MedGen C1858763, MONDO:0011400, OMIM 604145.
Autosomal recessive limb-girdle muscular dystrophy type 2J (LGMDR10). Also called: MUSCULAR DYSTROPHY, LIMB-GIRDLE, AUTOSOMAL RECESSIVE 10; Limb-girdle muscular dystrophy, type 2J. Identifiers: Orphanet 140922, MedGen C1837342, MONDO:0012127, OMIM 608807.

Submission:

Labcorp Genetics (formerly Invitae), Labcorp
Classification: Likely pathogenic for Dilated cardiomyopathy 1G; Autosomal recessive limb-girdle muscular dystrophy type 2J. Last evaluated: 2023-02-01. Review status: criteria provided, single submitter. Criteria: Invitae Variant Classification Sherloc (09022015). Collection method: clinical testing. Allele origin: germline.
Comment: In summary, the currently available evidence indicates that the variant is pathogenic, but additional data are needed to prove that conclusively. Therefore, this variant has been classified as Likely Pathogenic. This variant is located in the A band of TTN (PMID: 25589632). Truncating variants in this region are significantly overrepresented in patients affected with dilated cardiomyopathy (PMID: 25589632). Truncating variants in this region have also been reported in individuals affected with autosomal recessive centronuclear myopathy (PMID: 23975875). This variant has not been reported in the literature in individuals affected with TTN-related conditions. This variant is not present in population databases (gnomAD no frequency). This sequence change creates a premature translational stop signal (p.Leu22267*) in the TTN gene. While this is not anticipated to result in nonsense mediated decay, it is expected to create a truncated TTN protein.

Literature cited by the submitters: PubMed 25589632; PubMed 23975875.

NM_001267550.2(TTN):c.66800T>A (p.Leu22267Ter)

Genes: TTN-AS1 (TTN antisense RNA 1; plus strand), TTN (titin; minus strand). Cytogenetic location: 2q31.2.
Variant type: single nucleotide variant.
Coding change: c.66800T>A on transcript NM_001267550.2 (MANE Select); coding-DNA position 66800, T replaced by A.
Protein change: p.Leu22267Ter; replaces leucine 22267 with a stop codon.
Molecular consequence: nonsense.
Genome position (GRCh38, 1-based): chr2:178,580,579, A>T on the plus strand (T>A on the coding strand, the complement: TTN is on the minus strand). VCF-style: chr2-178580579-A-T. GRCh37 (hg19) VCF-style: chr2-179445306-A-T.
Other names: c.61877T>A, p.Leu20626Ter (NM_001256850.1); c.39605T>A, p.Leu13202Ter (NM_003319.4); c.59096T>A, p.Leu19699Ter (NM_133378.4); c.39980T>A, p.Leu13327Ter (NM_133432.3); c.40181T>A, p.Leu13394Ter (NM_133437.4); short protein forms L13202*, L19699*, L22267*, L13327*, L13394*, L20626*.
Identifiers: ClinVar variation 2943791 (VCV002943791.3), dbSNP rs2468935104, ClinGen allele CA349425980.